The following is an entry in ClinVar:

ClinVar aggregate classification (germline): Pathogenic. Review status: criteria provided, multiple submitters, no conflicts (2 of 4 stars). 3 submissions from 3 submitters: Pathogenic (3). Last evaluated 2026-03-11.

Conditions:
Cardiovascular phenotype. Identifiers: MedGen CN230736.
Hypertrophic cardiomyopathy. Also called: HYPERTROPHIC MYOCARDIOPATHY. Identifiers: Orphanet 217569, MedGen C0007194, MeSH D002312, MONDO:0005045, HP:0001639.
Hypertrophic cardiomyopathy 4. Also called: Familial hypertrophic cardiomyopathy 4. Identifiers: MedGen C1861862, MONDO:0007268, OMIM 115197.

Submissions (3):

Ambry Genetics
Classification: Pathogenic for Cardiovascular phenotype. Last evaluated: 2026-03-11. Review status: criteria provided, single submitter. Criteria: Ambry Variant Classification Scheme 2023. Collection method: clinical testing. Allele origin: germline.
Comment: The c.2846dupT pathogenic mutation, located in coding exon 27 of the MYBPC3 gene, results from a duplication of T at nucleotide position 2846, causing a translational frameshift with a predicted alternate stop codon (p.M949Ifs*102). This variant was reported in individual(s) with features consistent with hypertrophic cardiomyopathy (HCM) (Bottillo I et al. Gene, 2016 Feb;577:227-35; Roncarati R et al. J Cell Physiol, 2011 Nov;226:2894-900; Mazzarotto F et al. Genet Med, 2019 Feb;21:284-292). This variant is considered to be rare based on population cohorts in the Genome Aggregation Database (gnomAD). This alteration is expected to result in loss of function by premature protein truncation or nonsense-mediated mRNA decay. As such, this alteration is interpreted as a disease-causing mutation.

Labcorp Genetics (formerly Invitae), Labcorp
Classification: Pathogenic for Hypertrophic cardiomyopathy. Last evaluated: 2026-02-01. Review status: criteria provided, single submitter. Criteria: Invitae Variant Classification Sherloc (09022015). Collection method: clinical testing. Allele origin: germline.
Comment: This sequence change creates a premature translational stop signal (p.Met949Ilefs*102) in the MYBPC3 gene. It is expected to result in an absent or disrupted protein product. Loss-of-function variants in MYBPC3 are known to be pathogenic (PMID: 19574547). This variant is not present in population databases (gnomAD no frequency). This premature translational stop signal has been observed in individual(s) with hypertrophic cardiomyopathy (PMID: 21302287). ClinVar contains an entry for this variant (Variation ID: 2735590). Algorithms developed to predict the effect of sequence changes on RNA splicing suggest that this variant may disrupt the consensus splice site. For these reasons, this variant has been classified as Pathogenic.

Victorian Clinical Genetics Services, Murdoch Childrens Research Institute
Classification: Pathogenic for Hypertrophic cardiomyopathy 4. Last evaluated: 2020-06-11. Review status: criteria provided, single submitter. Criteria: ACMG Guidelines, 2015. Collection method: clinical testing. Allele origin: germline.
Comment: Based on the classification scheme VCGS_Germline_v1.1.1, this variant is classified as Pathogenic. Following criteria are met: 0102 - Loss-of-function is a known mechanism of disease for this gene. (N) 0108 - This gene is known to be associated with both recessive and dominant disease. Dominant heterozygous variants are frequently reported in adult onset conditions, however recessive variants result in a more severe early onset phenotype (OMIM). (N) 0201 - Variant is predicted to cause nonsense-mediated decay (NMD) and loss of protein (exon 27 of 35). (P) 0251 - Variant is heterozygous. (N) 0301 - Variant is absent from gnomAD. (P) 0701 - Comparable variants have very strong previous evidence for pathogenicity. Other variants predicted to cause NMD have been reported as pathogenic in individuals with hypertrophic cardiomyopathy (ClinVar). (P) 0802 - Moderate previous evidence of pathogenicity in unrelated individuals. This variant has been previously reported in patients with hypertrophic cardiomyopathy (PMID: 21302287, 29875424). (P) 1208 - Inheritance information for this variant is not currently available. (N) Legend: (P) - Pathogenic, (N) - Neutral, (B) - Benign

Literature cited by the submitters: PubMed 21302287 (cited by 3 submitters); PubMed 26656175 (cited by Ambry Genetics); PubMed 29875424 (cited by Ambry Genetics and Victorian Clinical Genetics Services, Murdoch Childrens Research Institute); PubMed 19574547 (cited by Labcorp Genetics (formerly Invitae), Labcorp).

NM_000256.3(MYBPC3):c.2846dup (p.Met949fs)

Gene: MYBPC3 (myosin binding protein C3; minus strand). Cytogenetic location: 11p11.2.
Variant type: Duplication.
Coding change: c.2846dup on transcript NM_000256.3 (MANE Select); coding-DNA position 2846, one base duplicated (T; older notation c.2846dupT).
Protein change: p.Met949fs; shifts the reading frame from methionine 949.
Molecular consequence: frameshift variant.
Genome position (GRCh38, 1-based): chr11:47,335,101, A duplicated on the plus strand (T on the coding strand, the reverse complement: MYBPC3 is on the minus strand). VCF-style (leftmost placement, unchanged base first): chr11-47335100-C-CA. GRCh37 (hg19) VCF-style: chr11-47356651-C-CA.
Other names: c.2846dupT (NM_000256.3); short protein forms M949fs.
Identifiers: ClinVar variation 2735590 (VCV002735590.5), dbSNP rs786204352, ClinGen allele CA273866.